The following is an entry in ClinVar:

ClinVar aggregate classification (germline): Uncertain significance. Review status: criteria provided, single submitter (1 of 4 stars). 2 submissions from 2 submitters: Uncertain significance (1). 1 of the submissions does not count toward it. Last evaluated 2025-02-15.

Conditions:
Inborn genetic diseases. Identifiers: MedGen C0950123, MeSH D030342.
CSDE1-related disorder. Also called: CSDE1-related condition.

Allele frequency attached by ClinVar (database versions not stated): TOPMed below 0.00001; ExAC 0.00001; gnomAD 0.00001; gnomAD exomes 0.00001.
gnomAD v4.1: 6 of 1,614,078 alleles (0.00037%); highest among the groups gnomAD compares: Admixed American, 0.005%; no homozygotes.

Submissions (2):

Ambry Genetics
Classification: Uncertain significance for Inborn genetic diseases. Last evaluated: 2025-02-15. Review status: criteria provided, single submitter. Criteria: Ambry Variant Classification Scheme 2023. Collection method: clinical testing. Allele origin: germline.

PreventionGenetics, part of Exact Sciences
Classification: Uncertain significance for CSDE1-related condition. Last evaluated: 2023-12-05. Review status: no assertion criteria provided. Collection method: clinical testing. Allele origin: germline. Not counted in ClinVar's aggregate classification.
Comment: The CSDE1 c.1967A>G variant is predicted to result in the amino acid substitution p.Asn656Ser. To our knowledge, this variant has not been reported in the literature. This variant is reported in 0.0087% of alleles in individuals of Latino descent in gnomAD. At this time, the clinical significance of this variant is uncertain due to the absence of conclusive functional and genetic evidence.

NM_001007553.3(CSDE1):c.1922A>G (p.Asn641Ser)

Gene: CSDE1 (cold shock domain containing E1; minus strand). Cytogenetic location: 1p13.2.
Variant type: single nucleotide variant.
Coding change: c.1922A>G on transcript NM_001007553.3 (MANE Select); coding-DNA position 1922, A replaced by G.
Protein change: p.Asn641Ser; replaces asparagine 641 with serine.
Molecular consequence: missense variant.
Genome position (GRCh38, 1-based): chr1:114,720,669, T>C on the plus strand (A>G on the coding strand, the complement: CSDE1 is on the minus strand). VCF-style: chr1-114720669-T-C. GRCh37 (hg19) VCF-style: chr1-115263290-T-C.
Other names: c.1967A>G, p.Asn656Ser (NM_001130523.3); c.2060A>G, p.Asn687Ser (NM_001242891.2); c.1922A>G, p.Asn641Ser (NM_001242892.2); c.1829A>G, p.Asn610Ser (NM_001242893.2, NM_007158.6); c.1967A>G (NM_001130523.2); short protein forms N641S, N610S, N687S, N656S.
Identifiers: ClinVar variation 2472248 (VCV002472248.5), dbSNP rs768835087, ClinGen allele CA1020947.